The following is an entry in ClinVar:

NM_012254.3(SLC27A5):c.1378-10T>G

Gene: SLC27A5 (solute carrier family 27 member 5; minus strand). Cytogenetic location: 19q13.43.
Variant type: single nucleotide variant.
Coding change: c.1378-10T>G on transcript NM_012254.3 (MANE Select); 10 bases into the intron before coding-DNA position 1378, T replaced by G.
Molecular consequence: intron variant.
Genome position (GRCh38, 1-based): chr19:58,500,439, A>C on the plus strand (T>G on the coding strand, the complement: SLC27A5 is on the minus strand). VCF-style: chr19-58500439-A-C. GRCh37 (hg19) VCF-style: chr19-59011806-A-C.
Other names: c.1126-10T>G (NM_001321196.2); c.1378-10T>G (NM_012254.2).
Identifiers: ClinVar variation 594646 (VCV000594646.6), dbSNP rs373847681, ClinGen allele CA9717998.

ClinVar aggregate classification (germline): Uncertain significance. Review status: criteria provided, single submitter (1 of 4 stars). 2 submissions from 2 submitters: Uncertain significance (1). 1 of the submissions does not count toward it. Last evaluated 2017-10-20.

Conditions:
SLC27A5-related disorder. Also called: SLC27A5-related condition.

Allele frequency attached by ClinVar (database versions not stated): gnomAD exomes 0.00001 and 0.00002; ExAC 0.00004; ESP Exome Variant Server 0.00008; gnomAD 0.00009 and 0.00012; TOPMed 0.00010.
gnomAD v4.1: 29 of 1,613,632 alleles (0.0018%); highest among the groups gnomAD compares: African/African-American, 0.035%; no homozygotes.

Submissions (2):

Eurofins Ntd Llc (ga)
Classification: Uncertain significance. Last evaluated: 2017-10-20. Review status: criteria provided, single submitter. Criteria: EGL Classification Definitions 2015. Collection method: clinical testing. Allele origin: germline. Observed: 1 variant allele, 1 heterozygote.

PreventionGenetics, part of Exact Sciences
Classification: Uncertain significance for SLC27A5-related condition. Last evaluated: 2024-04-26. Review status: no assertion criteria provided. Collection method: clinical testing. Allele origin: germline. Not counted in ClinVar's aggregate classification.
Comment: The SLC27A5 c.1378-10T>G variant is predicted to interfere with splicing. This variant is predicted to impact splicing at the consensus acceptor site based on splicing prediction programs (SpliceAI, Jaganathan K, et al. 2019. PubMed ID: 30661751). To our knowledge, this variant has not been reported in the literature. This variant is reported in 0.036% of alleles in individuals of African descent in gnomAD. At this time, the clinical significance of this variant is uncertain due to the absence of conclusive functional and genetic evidence.